The following is an entry in ClinVar:

NM_000092.5(COL4A4):c.2654G>A (p.Gly885Asp)

Gene: COL4A4 (collagen type IV alpha 4 chain; minus strand). Cytogenetic location: 2q36.3.
Variant type: single nucleotide variant.
Coding change: c.2654G>A on transcript NM_000092.5 (MANE Select); coding-DNA position 2654, G replaced by A.
Protein change: p.Gly885Asp; replaces glycine 885 with aspartic acid.
Molecular consequence: missense variant.
Genome position (GRCh38, 1-based): chr2:227,056,007, C>T on the plus strand (G>A on the coding strand, the complement: COL4A4 is on the minus strand). VCF-style: chr2-227056007-C-T. GRCh37 (hg19) VCF-style: chr2-227920723-C-T.
Other names: short protein forms G885D.
Identifiers: ClinVar variation 972685 (VCV000972685.6), dbSNP rs1425028482, ClinGen allele CA350840932.

ClinVar aggregate classification (germline): Conflicting classifications of pathogenicity. Review status: criteria provided, conflicting classifications (1 of 4 stars). 3 submissions from 3 submitters: Likely pathogenic (1); Uncertain significance (2). Last evaluated 2025-09-24.

Conditions:
Benign familial hematuria. Also called: thin basement membrane disease. Identifiers: MedGen C0241908, MONDO:0957317.

Allele frequency attached by ClinVar (database versions not stated): gnomAD exomes below 0.00001; TOPMed below 0.00001.
gnomAD v4.1: 5 of 1,613,952 alleles (0.00031%); highest among the groups gnomAD compares: Non-Finnish European, 0.00034%; no homozygotes.

Submissions (3):

Labcorp Genetics (formerly Invitae), Labcorp
Classification: Uncertain significance. Last evaluated: 2025-09-24. Review status: criteria provided, single submitter. Criteria: Invitae Variant Classification Sherloc (09022015). Collection method: clinical testing. Allele origin: germline.
Comment: This sequence change replaces glycine, which is neutral and non-polar, with aspartic acid, which is acidic and polar, at codon 885 of the COL4A4 protein (p.Gly885Asp). This variant is not present in population databases (gnomAD no frequency). This missense change has been observed in individual(s) with clinical features of Alport syndrome (PMID: 36938085; internal data). ClinVar contains an entry for this variant (Variation ID: 972685). Invitae Evidence Modeling of protein sequence and biophysical properties (such as structural, functional, and spatial information, amino acid conservation, physicochemical variation, residue mobility, and thermodynamic stability) indicates that this missense variant is expected to disrupt COL4A4 protein function with a positive predictive value of 95%. In summary, the available evidence is currently insufficient to determine the role of this variant in disease. Therefore, it has been classified as a Variant of Uncertain Significance.

Dasa
Classification: Uncertain significance. Last evaluated: 2025-09-11. Review status: criteria provided, single submitter. Criteria: DASA Assertion Criteria. Collection method: clinical testing. Allele origin: germline.
Comment: NM_000092.5(COL4A4):c.2654G>A (p.Gly885Asp) is a missense variant that results in the substitution of glycine with aspartic acid. The affected residue or protein region has prior evidence supporting clinical relevance. Published studies describe this variant in association with related phenotype (PMID: 36938085; PMID: 30128941; PMID: 33369211). Also, this variant is rare in population databases. Computational prediction algorithms are consistent with a deleterious effect. The currently available literature and clinical evidence are not sufficient to establish a definitive association between this variant and the reported condition. Therefore, this variant is classified as a variant of uncertain significance.

MVZ Martinsried, Medicover Genetics
Classification: Likely pathogenic for Hematuria, benign familial, 1. Last evaluated: 2020-02-19. Review status: criteria provided, single submitter. Criteria: ACMG Guidelines, 2015. Collection method: clinical testing. Allele origin: unknown. Affected: yes.

Literature cited by the submitters: PubMed 36938085 (cited by Labcorp Genetics (formerly Invitae), Labcorp and Dasa); PubMed 30128941 (cited by Dasa); PubMed 33369211 (cited by Dasa).